The following is an entry in ClinVar:

ClinVar aggregate classification (germline): Pathogenic/Likely pathogenic. Review status: criteria provided, multiple submitters, no conflicts (2 of 4 stars). 2 submissions from 2 submitters: Pathogenic (1); Likely pathogenic (1). Last evaluated 2025-09-09.

Conditions:
Hereditary cancer-predisposing syndrome. Also called: Hereditary Cancer Syndrome; Neoplastic Syndromes, Hereditary; Hereditary neoplastic syndrome; Tumor predisposition. Identifiers: Orphanet 140162, MedGen C0027672, MeSH D009386, MONDO:0015356.
Familial adenomatous polyposis 1 (FAP1). Also called: FAMILIAL ADENOMATOUS POLYPOSIS 1, ATTENUATED; POLYPOSIS, ADENOMATOUS INTESTINAL. Identifiers: MedGen C2713442, MONDO:0021056, OMIM 175100. Disease mechanism: loss of function.

Submissions (2):

Ambry Genetics
Classification: Pathogenic for Hereditary cancer-predisposing syndrome. Last evaluated: 2025-09-09. Review status: criteria provided, single submitter. Criteria: Ambry Variant Classification Scheme 2023. Collection method: clinical testing. Allele origin: germline.
Comment: The c.2496_2502delCAGCTCC pathogenic mutation, located in coding exon 15 of the APC gene, results from a deletion of 7 nucleotides at nucleotide positions 2496 to 2502, causing a translational frameshift with a predicted alternate stop codon (p.S833Lfs*7). This alteration occurs at the 3' terminus of the gene, is not expected to trigger nonsense-mediated mRNA decay, and impacts the last 70% of the protein. However, premature stop codons are typically deleterious in nature and a significant portion of the protein is affected (Ambry internal data). This variant was reported in individual(s) with features consistent with APC-related familial adenomatous polyposis (Ambry internal data). This variant is considered to be rare based on population cohorts in the Genome Aggregation Database (gnomAD). Based on the supporting evidence, this variant is interpreted as a disease-causing mutation.

Institute for Genomic Medicine (IGM) Clinical Laboratory, Nationwide Children's Hospital
Classification: Likely pathogenic for Familial adenomatous polyposis 1. Last evaluated: 2025-06-19. Review status: criteria provided, single submitter. Criteria: ACMG Guidelines, 2015. Collection method: clinical testing. Allele origin: germline.
Comment: This variant is predicted to result in loss of function through nonsense-mediated decay of the encoded transcript or premature truncation of the encoded protein in a gene in which loss of function is a known mechanism of disease (ACMG/AMP: PVS1). This variant is absent from or present at an exceedingly low frequency in gnomAD, a large-scale control population database (ACMG/AMP: PM2).

NM_000038.6(APC):c.2496_2502del (p.Ser833fs)

Gene: APC (APC regulator of Wnt signaling pathway; plus strand). Cytogenetic location: 5q22.2.
Variant type: Deletion.
Coding change: c.2496_2502del on transcript NM_000038.6 (MANE Select); coding-DNA positions 2496 to 2502, 7 bases deleted (CAGCTCC; older notation c.2496_2502delCAGCTCC).
Protein change: p.Ser833fs; shifts the reading frame from serine 833.
Molecular consequence: frameshift variant.
Genome position (GRCh38, 1-based): chr5:112,838,090-112,838,096, CAGCTCC deleted; deleting any 7 consecutive bases within chr5:112,838,088-112,838,096 gives the same sequence; the c. name uses the placement nearest the transcript's 3' end. VCF-style (leftmost placement, unchanged base first): chr5-112838087-ACCCAGCT-A. GRCh37 (hg19) VCF-style: chr5-112173784-ACCCAGCT-A.
Other names: c.2496_2502del, p.Ser833fs (NM_001354895.2, NM_001127510.3); c.2550_2556del, p.Ser851fs (NM_001354896.2); c.2526_2532del, p.Ser843fs (NM_001354897.2); c.2193_2199del, p.Ser732fs (NM_001354903.2); c.2421_2427del, p.Ser808fs (NM_001354898.2); c.2412_2418del, p.Ser805fs (NM_001354899.2); c.2373_2379del, p.Ser792fs (NM_001354900.2); c.2319_2325del, p.Ser774fs (NM_001354901.2); and 5 more; short protein forms S673fs, S550fs, S707fs, S732fs, S742fs, S792fs, S805fs, S843fs.
Identifiers: ClinVar variation 428133 (VCV000428133.7), dbSNP rs1114167576, ClinGen allele CA645369361.